The following is an entry in ClinVar:

NM_022168.4(IFIH1):c.205G>A (p.Gly69Arg)

Gene: IFIH1 (interferon induced with helicase C domain 1; minus strand). Cytogenetic location: 2q24.2.
Variant type: single nucleotide variant.
Coding change: c.205G>A on transcript NM_022168.4 (MANE Select); coding-DNA position 205, G replaced by A.
Protein change: p.Gly69Arg; replaces glycine 69 with arginine.
Molecular consequence: missense variant.
Genome position (GRCh38, 1-based): chr2:162,318,103, C>T on the plus strand (G>A on the coding strand, the complement: IFIH1 is on the minus strand). VCF-style: chr2-162318103-C-T. GRCh37 (hg19) VCF-style: chr2-163174613-C-T.
Other names: short protein forms G69R.
Identifiers: ClinVar variation 4536019 (VCV004536019.1).
Genomic context (GRCh38, chr2:162,318,103, plus strand): 5'-GGCTGCCGGTTCTCCGGAGGGCCTCCACGAATTCCCGAGTCCAACCAAGGTGCCAGACTC[C>T]CTTCTCCAAGGTGCTCAGCAGCAGTTCAACTGCCTGCATGTTCCCGGAGGTGGCGACTGT-3'
Protein context (NP_071451.2, residues 59-79): VELLLSTLEK[Gly69Arg]VWHLGWTREF

ClinVar aggregate classification (germline): Uncertain significance (1 of 4 stars; one submission).

gnomAD v4.1: 1 of 1,614,156 alleles (0.000062%); highest among the groups gnomAD compares: African/African-American, 0.0013%; no homozygotes.

Submission:

Women's Health and Genetics/Laboratory Corporation of America, LabCorp
Classification: Uncertain significance. Last evaluated: 2025-09-30. Review status: criteria provided, single submitter. Criteria: LabCorp Variant Classification Summary - May 2015. Collection method: clinical testing. Allele origin: germline.
Comment: Variant summary: IFIH1 c.205G>A (p.Gly69Arg) results in a non-conservative amino acid change in the encoded protein sequence. Algorithms developed to predict the effect of missense changes on protein structure and function are either unavailable or do not agree on the potential impact of this missense change. The variant was absent in 251440 control chromosomes. The available data on variant occurrences in the general population are insufficient to allow any conclusion about variant significance. To our knowledge, no occurrence of c.205G>A in individuals affected with IFIH1-related conditions and no experimental evidence demonstrating its impact on protein function have been reported. No submitters have cited clinical-significance assessments for this variant to ClinVar. Based on the evidence outlined above, the variant was classified as uncertain significance.